The following is an entry in ClinVar:

ClinVar aggregate classification (germline): Uncertain significance. Review status: criteria provided, multiple submitters, no conflicts (2 of 4 stars). 3 submissions from 3 submitters: Uncertain significance (3). Last evaluated 2024-11-06.

Conditions:
Hennekam lymphangiectasia-lymphedema syndrome 1 (HKLLS1). Also called: LYMPHATIC DYSPLASIA, GENERALIZED. Identifiers: Orphanet 2136, MedGen C4012050, MONDO:0009337, OMIM 235510.

Allele frequency attached by ClinVar (database versions not stated): ESP Exome Variant Server 0.00008; ExAC 0.00011; gnomAD exomes 0.00012; TOPMed 0.00010.
gnomAD v4.1: 201 of 1,613,988 alleles (0.012%); highest among the groups gnomAD compares: Middle Eastern, 0.017%; no homozygotes.

Submissions (3):

Clinical Genomics Laboratory, Washington University in St. Louis
Classification: Uncertain significance for Hennekam lymphangiectasia-lymphedema syndrome 1. Last evaluated: 2024-11-06. Review status: criteria provided, single submitter. Criteria: ACMG Guidelines, 2015. Collection method: clinical testing. Allele origin: germline.
Comment: A CCBE1 c.373C>T (p.Arg125Trp) variant was identified at a near heterozygous allelic fraction of 47.4%, a frequency which may be consistent with it being of germline origin. This variant has been reported in one individual affected with cystic hygroma (Noia G et al., PMID: 30475086). It has been reported in the ClinVar database as a variant of uncertain significance by two submitters (ClinVar Variation ID: 892100). This variant is observed on 201/1,613,998 (0.012%) alleles in the general population (gnomAD v.4.1.0). Computational predictors are uncertain as to the impact of this variant on CCBE1 function. Due to limited information, and based on ACMG/AMP guidelines for variant interpretation (Richards S et al., PMID: 25741868), the clinical significance of this variant is uncertain at this time.

Labcorp Genetics (formerly Invitae), Labcorp
Classification: Uncertain significance. Last evaluated: 2022-07-30. Review status: criteria provided, single submitter. Criteria: Invitae Variant Classification Sherloc (09022015). Collection method: clinical testing. Allele origin: germline.
Comment: This sequence change replaces arginine, which is basic and polar, with tryptophan, which is neutral and slightly polar, at codon 125 of the CCBE1 protein (p.Arg125Trp). This variant is present in population databases (rs147208835, gnomAD 0.02%). This variant has not been reported in the literature in individuals affected with CCBE1-related conditions. ClinVar contains an entry for this variant (Variation ID: 892100). Algorithms developed to predict the effect of missense changes on protein structure and function are either unavailable or do not agree on the potential impact of this missense change (SIFT: "Deleterious"; PolyPhen-2: "Possibly Damaging"; Align-GVGD: "Class C0"). In summary, the available evidence is currently insufficient to determine the role of this variant in disease. Therefore, it has been classified as a Variant of Uncertain Significance.

Illumina Laboratory Services, Illumina
Classification: Uncertain significance for Hennekam lymphangiectasia-lymphedema syndrome 1. Last evaluated: 2018-01-13. Review status: criteria provided, single submitter. Criteria: ICSL Variant Classification Criteria 13 December 2019. Collection method: clinical testing. Allele origin: germline.

NM_133459.4(CCBE1):c.373C>T (p.Arg125Trp)

Gene: CCBE1 (collagen and calcium binding EGF domains 1; minus strand). Cytogenetic location: 18q21.32.
Variant type: single nucleotide variant.
Coding change: c.373C>T on transcript NM_133459.4 (MANE Select); coding-DNA position 373, C replaced by T.
Protein change: p.Arg125Trp; replaces arginine 125 with tryptophan.
Molecular consequence: missense variant.
Genome position (GRCh38, 1-based): chr18:59,469,500, G>A on the plus strand (C>T on the coding strand, the complement: CCBE1 is on the minus strand). VCF-style: chr18-59469500-G-A. GRCh37 (hg19) VCF-style: chr18-57136732-G-A.
Other names: short protein forms R125W.
Identifiers: ClinVar variation 892100 (VCV000892100.9), dbSNP rs147208835, ClinGen allele CA8980521.
Genomic context (GRCh38, chr18:59,469,500, plus strand): 5'-CAGAAGCTGGAAACAAGCACATTCCCAACACACCCAGACAGTATGGCTTCTCCCGCTTCC[G>A]GTGTCTCTCCCGGTCATATCGGTATCCCGGATAACAAGTACACAGCACTCGGCCAAAGTT-3'
Protein context (NP_597716.1, residues 115-135): PGYRYDRERH[Arg125Trp]KREKPYCLDI